The following is an entry in ClinVar:

NM_001371596.2(MFSD8):c.63-6_83del

Gene: MFSD8 (major facilitator superfamily domain containing 8; minus strand). Cytogenetic location: 4q28.2.
Variant type: Deletion.
Coding change: c.63-6_83del on transcript NM_001371596.2 (MANE Select); 6 bases into the intron before coding-DNA position 63 through coding-DNA position 83, 27 bases deleted (ACCTAGAGAATGGGACATTTTAGAGAC).
Molecular consequence: splice acceptor variant.
Genome position (GRCh38, 1-based): chr4:127,957,572-127,957,598, GTCTCTAAAATGTCCCATTCTCTAGGT deleted on the plus strand (ACCTAGAGAATGGGACATTTTAGAGAC on the coding strand, the reverse complement: MFSD8 is on the minus strand); deleting any 27 consecutive bases within chr4:127,957,572-127,957,600 gives the same sequence; the c. name uses the placement nearest the transcript's 3' end. VCF-style (leftmost placement, unchanged base first): chr4-127957571-AGTCTCTAAAATGTCCCATTCTCTAGGT-A. GRCh37 (hg19) VCF-style: chr4-128878726-AGTCTCTAAAATGTCCCATTCTCTAGGT-A.
Other names: c.-71-8_-53del (NM_001371595.1); c.-73-6_-53del (NM_001410765.1, NM_001371590.2); c.63-6_83del (NM_152778.4, NM_001363521.3, NM_001410766.1 and 5 more transcripts).
Identifiers: ClinVar variation 3639651 (VCV003639651.2).
Genomic context (GRCh38, chr4:127,957,571, plus strand): 5'-GAGAAACATAGTAAGATATAAAATCCTAATAGATCTCCATCGGCTCTTATAATGCTCTTC[AGTCTCTAAAATGTCCCATTCTCTAGGT>A]GTAAAGAAGAAAAAAGTAGTATAAATTTATCTCATTACATGTGGATCTTAAGTGTCAACA-3'

ClinVar aggregate classification (germline): Likely pathogenic (1 of 4 stars; one submission).

Conditions:
Neuronal ceroid lipofuscinosis 7 (CLN7). Also called: MFSD8-Related Neuronal Ceroid-Lipofuscinosis. Identifiers: Orphanet 168491, Orphanet 228366, MedGen C1838571, MONDO:0012588, OMIM 610951.

Submission:

Labcorp Genetics (formerly Invitae), Labcorp
Classification: Likely pathogenic for Neuronal ceroid lipofuscinosis 7. Last evaluated: 2024-02-08. Review status: criteria provided, single submitter. Criteria: Invitae Variant Classification Sherloc (09022015). Collection method: clinical testing. Allele origin: germline.
Comment: This variant results in the deletion of part of exon 3 (c.63-6_83del) of the MFSD8 gene. It is expected to disrupt RNA splicing. Variants that disrupt the donor or acceptor splice site typically lead to a loss of protein function (PMID: 16199547), and loss-of-function variants in MFSD8 are known to be pathogenic (PMID: 19177532, 25227500, 28586915). This variant is not present in population databases (gnomAD no frequency). This variant has not been reported in the literature in individuals affected with MFSD8-related conditions. In summary, the currently available evidence indicates that the variant is pathogenic, but additional data are needed to prove that conclusively. Therefore, this variant has been classified as Likely Pathogenic.

Literature cited by the submitters: PubMed 16199547; PubMed 19177532; PubMed 25227500; PubMed 28586915.